The following is an entry in ClinVar:

ClinVar aggregate classification (germline): Uncertain significance (1 of 4 stars; one submission).

Submission:

Labcorp Genetics (formerly Invitae), Labcorp
Classification: Uncertain significance. Last evaluated: 2025-08-15. Review status: criteria provided, single submitter. Criteria: Invitae Variant Classification Sherloc (09022015). Collection method: clinical testing. Allele origin: germline.
Comment: This sequence change creates a premature translational stop signal (p.Asp114Cysfs*13) in the SLC51B gene. While this is not anticipated to result in nonsense mediated decay, it is expected to disrupt the last 15 amino acid(s) of the SLC51B protein. This variant is present in population databases (rs773595808, gnomAD 0.007%). This variant has not been reported in the literature in individuals affected with SLC51B-related conditions. In summary, the available evidence is currently insufficient to determine the role of this variant in disease. Therefore, it has been classified as a Variant of Uncertain Significance.

NM_178859.4(SLC51B):c.340_341del (p.Asp114fs)

Genes: RASL12 (RAS like family 12; minus strand), SLC51B (SLC51 subunit beta; plus strand). Cytogenetic location: 15q22.31.
Variant type: Microsatellite.
Coding change: c.340_341del on transcript NM_178859.4 (MANE Select); coding-DNA positions 340 to 341, 2 bases deleted (GA; older notation c.340_341delGA).
Protein change: p.Asp114fs; shifts the reading frame from aspartic acid 114.
Molecular consequence: frameshift variant.
Genome position (GRCh38, 1-based): chr15:65,053,117-65,053,118, GA deleted; deleting any 2 consecutive bases within chr15:65,053,110-65,053,118 gives the same sequence; the c. name uses the placement nearest the transcript's 3' end. VCF-style (leftmost placement, unchanged base first): chr15-65053109-AAG-A. GRCh37 (hg19) VCF-style: chr15-65345447-AAG-A.
Other names: short protein forms D114fs.
Identifiers: ClinVar variation 3698093 (VCV003698093.2).
Genomic context (GRCh38, chr15:65,053,109, plus strand): 5'-ACCTAAGAGAAACTTTGCTCTCAGAAAAGCCAAACTTGGCCCAGGTGGAACTTGAGTTAA[AAG>A]AGAGAGATGTGCTGTCAGTTTTCCTTCCGGATGTACCAGAAACTGAGAGCTAGTGAGGGT-3'